The following is an entry in ClinVar:

ClinVar aggregate classification (germline): Uncertain significance. Review status: criteria provided, multiple submitters, no conflicts (2 of 4 stars). 3 submissions from 3 submitters: Uncertain significance (3). Last evaluated 2026-06-10.

Conditions:
Inborn genetic diseases. Identifiers: MedGen C0950123, MeSH D030342.

Allele frequency attached by ClinVar (database versions not stated): gnomAD exomes 0.00001; TOPMed 0.00001; ExAC 0.00002.
gnomAD v4.1: 6 of 1,613,956 alleles (0.00037%); highest among the groups gnomAD compares: Non-Finnish European, 0.00042%; no homozygotes.

Submissions (3):

Women's Health and Genetics/Laboratory Corporation of America, LabCorp
Classification: Uncertain significance. Last evaluated: 2026-06-10. Review status: criteria provided, single submitter. Criteria: LabCorp Variant Classification Summary - May 2015. Collection method: clinical testing. Allele origin: germline.
Comment: Variant summary: GLI2 c.2117C>T (p.Thr706Ile) results in a non-conservative amino acid change in the encoded protein sequence. Algorithms developed to predict the effect of missense changes on protein structure and function are either unavailable or do not agree on the potential impact of this missense change. The variant allele was found at a frequency of 8e-06 in 250492 control chromosomes. The available data on variant occurrences in the general population are insufficient to allow any conclusion about variant significance. c.2117C>T has been observed in two related individuals affected with type I Chiari malformation (Provenzano_2021). This report does not provide unequivocal conclusions about association of the variant with disease. To our knowledge, no experimental evidence demonstrating an impact on protein function has been reported. The following publication has been ascertained in the context of this evaluation (PMID: 33337535). ClinVar contains an entry for this variant (Variation ID: 520576). Based on the evidence outlined above, the variant was classified as uncertain significance.

CeGaT Center for Human Genetics Tuebingen
Classification: Uncertain significance. Last evaluated: 2025-11-01. Review status: criteria provided, single submitter. Criteria: CeGaT Center For Human Genetics Tuebingen Variant Classification Criteria Version 2. Collection method: clinical testing. Allele origin: germline. Affected: yes. Observed: 1 variant allele.
Comment: GLI2: PM2:Supporting, BP4

Ambry Genetics
Classification: Uncertain significance for Inborn genetic diseases. Last evaluated: 2015-04-06. Review status: criteria provided, single submitter. Criteria: Ambry exome assertion method (8-5-2015). Collection method: clinical testing. Allele origin: germline. Affected: yes. Observed: 1 variant allele.

Literature cited by the submitters: PubMed 33337535 (cited by Women's Health and Genetics/Laboratory Corporation of America, LabCorp).

NM_001374353.1(GLI2):c.2066C>T (p.Thr689Ile)

Gene: GLI2 (GLI family zinc finger 2; plus strand). Cytogenetic location: 2q14.2.
Variant type: single nucleotide variant.
Coding change: c.2066C>T on transcript NM_001374353.1 (MANE Select); coding-DNA position 2066, C replaced by T.
Protein change: p.Thr689Ile; replaces threonine 689 with isoleucine.
Molecular consequence: missense variant.
Genome position (GRCh38, 1-based): chr2:120,986,438, C>T. VCF-style: chr2-120986438-C-T. GRCh37 (hg19) VCF-style: chr2-121744014-C-T.
Other names: c.2117C>T, p.Thr706Ile (NM_001371271.1, NM_005270.5); c.1691C>T, p.Thr564Ile (NM_001374354.1); short protein forms T706I, T564I, T689I.
Identifiers: ClinVar variation 520576 (VCV000520576.11), dbSNP rs754899023, ClinGen allele CA1852129.